The following is an entry in ClinVar:

ClinVar aggregate classification (germline): Likely pathogenic. Review status: criteria provided, multiple submitters, no conflicts (2 of 4 stars). 2 submissions from 2 submitters: Likely pathogenic (2). Last evaluated 2024-04-03.

Conditions:
Autosomal recessive nonsyndromic hearing loss 77. Identifiers: Orphanet 90636, MedGen C2746083, MONDO:0013119, OMIM 613079.

Submissions (2):

Fulgent Genetics
Classification: Likely pathogenic for Autosomal recessive nonsyndromic hearing loss 77. Last evaluated: 2024-04-03. Review status: criteria provided, single submitter. Criteria: ACMG Guidelines, 2015. Collection method: clinical testing. Allele origin: germline.

Labcorp Genetics (formerly Invitae), Labcorp
Classification: Likely pathogenic. Last evaluated: 2021-03-08. Review status: criteria provided, single submitter. Criteria: Invitae Variant Classification Sherloc (09022015). Collection method: clinical testing. Allele origin: germline.
Comment: In summary, the currently available evidence indicates that the variant is pathogenic, but additional data are needed to prove that conclusively. Therefore, this variant has been classified as Likely Pathogenic. Donor and acceptor splice site variants typically lead to a loss of protein function (PMID: 16199547), and loss-of-function variants in LOXHD1 are known to be pathogenic (PMID: 19732867, 21465660, 25792669). This variant has not been reported in the literature in individuals with LOXHD1-related conditions. Algorithms developed to predict the effect of sequence changes on RNA splicing suggest that this variant may disrupt the consensus splice site, but this prediction has not been confirmed by published transcriptional studies. This variant is not present in population databases (ExAC no frequency). This sequence change affects an acceptor splice site in intron 25 of the LOXHD1 gene. It is expected to disrupt RNA splicing and likely results in an absent or disrupted protein product.

Literature cited by the submitters: PubMed 16199547 (cited by Labcorp Genetics (formerly Invitae), Labcorp); PubMed 19732867 (cited by Labcorp Genetics (formerly Invitae), Labcorp); PubMed 21465660 (cited by Labcorp Genetics (formerly Invitae), Labcorp); PubMed 25792669 (cited by Labcorp Genetics (formerly Invitae), Labcorp).

NM_001384474.1(LOXHD1):c.3914-1G>A

Gene: LOXHD1 (lipoxygenase homology PLAT domains 1; minus strand). Cytogenetic location: 18q21.1.
Variant type: single nucleotide variant.
Coding change: c.3914-1G>A on transcript NM_001384474.1 (MANE Select); the canonical splice acceptor site of the intron before coding-DNA position 3914, G replaced by A.
Molecular consequence: splice acceptor variant.
Genome position (GRCh38, 1-based): chr18:46,538,338, C>T on the plus strand (G>A on the coding strand, the complement: LOXHD1 is on the minus strand). VCF-style: chr18-46538338-C-T. GRCh37 (hg19) VCF-style: chr18-44118301-C-T.
Other names: c.581-1G>A (NM_001145472.3); c.293-1G>A (NM_001308013.2); c.3914-1G>A (NM_144612.7).
Identifiers: ClinVar variation 943912 (VCV000943912.9), dbSNP rs2036406936, ClinGen allele CA402377280.
Genomic context (GRCh38, chr18:46,538,338, plus strand): 5'-TGGCATCTGTCCCAGCAGCAAAGACATCACTGGTGTAGAGGGTGATCTCGTAAGGAACAA[C>T]TGAGGGTGGTGGTCAGAGGGCAAAGCCAGAGTGGATGAGAGAACAGAAAACAAACATGGT-3'